The following is an entry in ClinVar:

ClinVar aggregate classification (germline): Conflicting classifications of pathogenicity. Review status: criteria provided, conflicting classifications (1 of 4 stars). 5 submissions from 5 submitters: Uncertain significance (3); Likely benign (2). Last evaluated 2026-01-25.

Conditions:
COL6A3-related disorder. Also called: COL6A3-related disorders; COL6A3-related condition.
Inborn genetic diseases. Identifiers: MedGen C0950123, MeSH D030342.
Bethlem myopathy 1A. Also called: MYOPATHY, BENIGN CONGENITAL, WITH CONTRACTURES; Bethlem myopathy 1; Bethlem Muscular Dystrophy. Identifiers: Orphanet 610, MedGen CN029274, MONDO:0024530, OMIM 158810.

Allele frequency attached by ClinVar (database versions not stated): gnomAD 0.00001 and 0.00005; TOPMed 0.00002; ESP Exome Variant Server 0.00008; gnomAD exomes 0.00012 and 0.00026; 1000 Genomes Project 30x 0.00016; 1000 Genomes Project 0.00020; ExAC 0.00030.
gnomAD v4.1: 182 of 1,614,038 alleles (0.011%); highest among the groups gnomAD compares: South Asian, 0.18%; 2 homozygotes.

Submissions (5):

Labcorp Genetics (formerly Invitae), Labcorp
Classification: Likely benign for Bethlem myopathy 1A. Last evaluated: 2026-01-25. Review status: criteria provided, single submitter. Criteria: Invitae Variant Classification Sherloc (09022015). Collection method: clinical testing. Allele origin: germline.

PreventionGenetics, part of Exact Sciences
Classification: Likely benign for COL6A3-related condition. Last evaluated: 2025-07-15. Review status: criteria provided, single submitter. Criteria: ACMG Guidelines, 2015. Collection method: clinical testing. Allele origin: germline.
Comment: This variant is classified as likely benign based on ACMG/AMP sequence variant interpretation guidelines (Richards et al. 2015 PMID: 25741868, with internal and published modifications).

Revvity Omics, Revvity
Classification: Uncertain significance. Last evaluated: 2024-04-22. Review status: criteria provided, single submitter. Criteria: ACMG Guidelines, 2015. Collection method: clinical testing. Allele origin: germline.

Ambry Genetics
Classification: Uncertain significance for Inborn genetic diseases. Last evaluated: 2024-01-24. Review status: criteria provided, single submitter. Criteria: Ambry Variant Classification Scheme 2023. Collection method: clinical testing. Allele origin: germline.

Eurofins Ntd Llc (ga)
Classification: Uncertain significance. Last evaluated: 2016-11-11. Review status: criteria provided, single submitter. Criteria: EGL Classification Definitions 2015. Collection method: clinical testing. Allele origin: germline. Observed: 1 variant allele, 1 heterozygote.

NM_004369.4(COL6A3):c.5555T>C (p.Phe1852Ser)

Gene: COL6A3 (collagen type VI alpha 3 chain; minus strand). Cytogenetic location: 2q37.3.
Variant type: single nucleotide variant.
Coding change: c.5555T>C on transcript NM_004369.4 (MANE Select); coding-DNA position 5555, T replaced by C.
Protein change: p.Phe1852Ser; replaces phenylalanine 1852 with serine.
Molecular consequence: missense variant.
Genome position (GRCh38, 1-based): chr2:237,365,981, A>G on the plus strand (T>C on the coding strand, the complement: COL6A3 is on the minus strand). VCF-style: chr2-237365981-A-G. GRCh37 (hg19) VCF-style: chr2-238274624-A-G.
Other names: c.3734T>C, p.Phe1245Ser (NM_057166.5); c.4937T>C, p.Phe1646Ser (NM_057167.4); short protein forms F1852S, F1245S, F1646S.
Identifiers: ClinVar variation 498581 (VCV000498581.20), dbSNP rs148488423, ClinGen allele CA2188631.